The following is an entry in ClinVar:

ClinVar aggregate classification (germline): Likely pathogenic (1 of 4 stars; one submission).

Conditions:
Nemaline myopathy. Also called: Myopathies, Nemaline. Identifiers: Orphanet 607, MedGen C0206157, MONDO:0018958.

Submission:

Broad Center for Mendelian Genomics, Broad Institute of MIT and Harvard
Classification: Likely pathogenic for Nemaline myopathy. Last evaluated: 2025-03-21. Review status: criteria provided, single submitter. Criteria: ACMG Guidelines, 2015. Collection method: curation. Allele origin: germline. Inheritance: Autosomal recessive inheritance.
Comment: The p.Asp542Ter variant in NEB has been reported in one individual with nemaline myopathy (PMID: 21724397), but has been identified in 0.00009% (1/1179836) of European (non-Finnish) chromosomes by the Genome Aggregation Database (gnomAD). Although this variant has been seen in the general population in a heterozygous state, its frequency is low enough to be consistent with a recessive carrier frequency. It is of note that this variant occurs in a homopolymer repeat, which could indicate that it exists as an artifact from sequencing. However, disease-causing variants have been reported in homopolymer regions, so this is not enough to rule out a pathogenic role. This nonsense variant leads to a premature termination codon at position 542, which is predicted to lead to a truncated or absent protein. Loss of function of the NEB gene is an established disease mechanism in autosomal recessive nemaline myopathy. In summary, although additional studies are required to fully establish its clinical significance, this variant is likely pathogenic for autosomal recessive nemaline myopathy. ACMG/AMP Criteria applied: PVS1, PM2_supporting (Richards 2015).

NM_001164508.2(NEB):c.1622dup (p.Pro541_Asp542insTer)

Gene: NEB (nebulin; minus strand). Cytogenetic location: 2q23.3.
Variant type: Duplication.
Coding change: c.1622dup on transcript NM_001164508.2 (MANE Select); coding-DNA position 1622, one base duplicated (C; older notation c.1622dupC).
Protein change: p.Pro541_Asp542insTer.
Molecular consequence: frameshift variant.
Genome position (GRCh38, 1-based): chr2:151,695,630, G duplicated on the plus strand (C on the coding strand, the reverse complement: NEB is on the minus strand); the first of 6 consecutive G bases (chr2:151,695,630-151,695,635); duplicating any one gives the same sequence. VCF-style (leftmost placement, unchanged base first): chr2-151695629-A-AG. GRCh37 (hg19) VCF-style: chr2-152552143-A-AG.
Other names: NM_001164508.2:c.1622dup; c.1622dup, p.Pro541_Asp542insTer (NM_001164507.2, NM_001271208.2, NM_004543.5).
Identifiers: ClinVar variation 3776997 (VCV003776997.1).